The following is an entry in ClinVar:

ClinVar aggregate classification (germline): Pathogenic. Review status: criteria provided, multiple submitters, no conflicts (2 of 4 stars). 3 submissions from 3 submitters: Pathogenic (3). Last evaluated 2025-10-06.

Conditions:
Inborn genetic diseases. Identifiers: MedGen C0950123, MeSH D030342.
Intellectual developmental disorder with abnormal behavior, microcephaly, and short stature. Identifiers: MedGen C5193039, MONDO:0032687, OMIM 618342.

Submissions (3):

Laboratoire de Génétique Moléculaire, CHU Bordeaux
Classification: Pathogenic for Intellectual developmental disorder with abnormal behavior, microcephaly, and short stature. Last evaluated: 2025-10-06. Review status: criteria provided, single submitter. Criteria: ACMG Guidelines, 2015. Collection method: clinical testing. Allele origin: germline. Affected: yes.

3billion
Classification: Pathogenic for Intellectual developmental disorder with abnormal behavior, microcephaly, and short stature. Last evaluated: 2023-10-23. Review status: criteria provided, single submitter. Criteria: ACMG Guidelines, 2015. Collection method: clinical testing. Allele origin: germline. Affected: yes.
Comment: The variant is observed at an extremely low frequency in the gnomAD v2.1.1 dataset (total allele frequency: 0.001%). Predicted Consequence/Location: Frameshift: predicted to result in a loss or disruption of normal protein function through nonsense-mediated decay (NMD) or protein truncation. Multiple pathogenic variants are reported downstream of the variant. The variant has been reported to be associated with PUS7-related disorder (ClinVar ID: VCV002227934). Therefore, this variant is classified as Pathogenic according to the recommendation of ACMG/AMP guideline.

Ambry Genetics
Classification: Pathogenic for Inborn genetic diseases. Last evaluated: 2020-11-12. Review status: criteria provided, single submitter. Criteria: Ambry Variant Classification Scheme 2023. Collection method: clinical testing. Allele origin: germline.
Comment: The c.393_397delAGAAA (p.E132Ifs*8) alteration, located in exon 2 (coding exon 1) of the PUS7 gene, consists of a deletion of 5 nucleotides from position 393 to 397, causing a translational frameshift with a predicted alternate stop codon after 8 amino acids. This alteration is expected to result in loss of function by premature protein truncation or nonsense-mediated mRNA decay. Based on data from the Genome Aggregation Database (gnomAD) database, the PUS7 c.393_397delAGAAA alteration was observed in 0.0008% (2/246,744) of total alleles studied, with a frequency of 0.0034% (1/29,610) in the South Asian subpopulation. Based on the available evidence, this alteration is classified as pathogenic.

Literature cited by the submitters: This truncating variant was found homozygous and is rare in gnomAD (cited by Laboratoire de Génétique Moléculaire, CHU Bordeaux).

NM_019042.5(PUS7):c.393_397del (p.Glu132fs)

Gene: PUS7 (pseudouridine synthase 7; minus strand). Cytogenetic location: 7q22.3.
Variant type: Deletion.
Coding change: c.393_397del on transcript NM_019042.5 (MANE Select); coding-DNA positions 393 to 397, 5 bases deleted (AGAAA; older notation c.393_397delAGAAA).
Protein change: p.Glu132fs; shifts the reading frame from glutamic acid 132.
Molecular consequence: frameshift variant.
Genome position (GRCh38, 1-based): chr7:105,508,116-105,508,120, TTTCT deleted on the plus strand (AGAAA on the coding strand, the reverse complement: PUS7 is on the minus strand); deleting any 5 consecutive bases within chr7:105,508,116-105,508,123 gives the same sequence; the c. name uses the placement nearest the transcript's 3' end. VCF-style (leftmost placement, unchanged base first): chr7-105508115-CTTTCT-C. GRCh37 (hg19) VCF-style: chr7-105148562-CTTTCT-C.
Other names: c.393_397del, p.Glu132fs (NM_001318163.1, NM_001318164.2); short protein forms E132fs.
Identifiers: ClinVar variation 2227934 (VCV002227934.4), dbSNP rs761121419, ClinGen allele CA4426214.